The following is an entry in ClinVar:

ClinVar aggregate classification (germline): Uncertain significance (1 of 4 stars; one submission).

Conditions:
Myofibrillar myopathy 4. Also called: Zaspopathy (type). Identifiers: Orphanet 98912, MedGen C4721886, MONDO:0012277, OMIM 609452.

Submission:

Labcorp Genetics (formerly Invitae), Labcorp
Classification: Uncertain significance for Myofibrillar myopathy 4. Last evaluated: 2021-01-14. Review status: criteria provided, single submitter. Criteria: Invitae Variant Classification Sherloc (09022015). Collection method: clinical testing. Allele origin: germline.
Comment: In summary, the available evidence is currently insufficient to determine the role of this variant in disease. Therefore, it has been classified as a Variant of Uncertain Significance. Algorithms developed to predict the effect of missense changes on protein structure and function are either unavailable or do not agree on the potential impact of this missense change (SIFT: "Deleterious"; PolyPhen-2: "Probably Damaging"; Align-GVGD: "Class C0"). This variant has not been reported in the literature in individuals with LDB3-related conditions. This variant is not present in population databases (ExAC no frequency). This sequence change replaces leucine with proline at codon 17 of the LDB3 protein (p.Leu17Pro). The leucine residue is moderately conserved and there is a moderate physicochemical difference between leucine and proline.

NM_007078.3(LDB3):c.50T>C (p.Leu17Pro)

Gene: LDB3 (LIM domain binding 3; plus strand). Cytogenetic location: 10q23.2.
Variant type: single nucleotide variant.
Coding change: c.50T>C on transcript NM_007078.3 (MANE Select); coding-DNA position 50, T replaced by C.
Protein change: p.Leu17Pro; replaces leucine 17 with proline.
Molecular consequence: missense variant.
Genome position (GRCh38, 1-based): chr10:86,668,741, T>C. VCF-style: chr10-86668741-T-C. GRCh37 (hg19) VCF-style: chr10-88428498-T-C.
Other names: c.50T>C, p.Leu17Pro (NM_001080114.2, NM_001080115.2, NM_001080116.1 and 8 more transcripts); short protein forms L17P.
Identifiers: ClinVar variation 1516531 (VCV001516531.8), dbSNP rs2132320405, ClinGen allele CA377448756.